The following is an entry in ClinVar:

NM_033629.6(TREX1):c.58G>A (p.Glu20Lys)

Genes: ATRIP (ATR interacting protein; plus strand), ATRIP-TREX1 (ATRIP-TREX1 readthrough; plus strand), TREX1 (three prime repair exonuclease 1; plus strand). Cytogenetic location: 3p21.31.
Variant type: single nucleotide variant.
Coding change: c.58G>A on transcript NM_033629.6 (MANE Select); coding-DNA position 58, G replaced by A.
Protein change: p.Glu20Lys; replaces glutamic acid 20 with lysine.
Molecular consequence: missense variant. On other transcripts: non-coding transcript variant (1), 3 prime UTR variant (4).
Genome position (GRCh38, 1-based): chr3:48,466,713, G>A. VCF-style: chr3-48466713-G-A. GRCh37 (hg19) VCF-style: chr3-48508112-G-A.
Other names: c.28G>A, p.Glu10Lys (NM_007248.5); c.*1159G>A (NM_001271022.2, NM_001271023.2, NM_032166.4 and 1 more transcripts); short protein forms E10K, E20K.
Identifiers: ClinVar variation 4856211 (VCV004856211.1).

ClinVar aggregate classification (germline): Uncertain significance (1 of 4 stars; one submission).

Conditions:
Aicardi-Goutieres syndrome 1. Also called: CREE ENCEPHALITIS; ENCEPHALOPATHY, FAMILIAL INFANTILE, WITH INTRACRANIAL CALCIFICATION AND CHRONIC CEREBROSPINAL FLUID LYMPHOCYTOSIS; PSEUDOTOXOPLASMOSIS SYNDROME. Identifiers: Orphanet 51, MedGen C0796126, MONDO:0009165, OMIM 225750.

Submission:

3billion
Classification: Uncertain significance for Aicardi-Goutieres syndrome 1. Last evaluated: 2025-07-10. Review status: criteria provided, single submitter. Criteria: ACMG Guidelines, 2015. Collection method: clinical testing. Allele origin: germline. Affected: yes.
Comment: The variant is not observed in the gnomAD v4.1.0 dataset. Predicted Consequence/Location: Missense variant. The majority of the known disease-causing variants of this gene are variants expected to result in premature termination of the protein. In silico tool predictions suggest damaging effect of the variant on gene or gene product [REVEL: 0.91 (>=0.6, sensitivity 0.68 and specificity 0.92); 3Cnet: 0.00 (> 0.75, sensitivity 0.96 and precision 0.92)]. The same nucleotide change resulting in the same amino acid change has been previously reported to be associated with TREX1-related disorder (PMID: 37187582). Therefore, this variant is classified as VUS according to the recommendation of ACMG/AMP guideline.

Literature cited by the submitters: PubMed 37187582.